The following is an entry in ClinVar:

NM_199420.4(POLQ):c.4959A>G (p.Leu1653=)

Gene: POLQ (DNA polymerase theta; minus strand). Cytogenetic location: 3q13.33.
Variant type: single nucleotide variant.
Coding change: c.4959A>G on transcript NM_199420.4 (MANE Select); coding-DNA position 4959, A replaced by G.
Protein change: p.Leu1653=; no amino-acid change (leucine 1653 retained).
Molecular consequence: synonymous variant.
Genome position (GRCh38, 1-based): chr3:121,487,972, T>C on the plus strand (A>G on the coding strand, the complement: POLQ is on the minus strand). VCF-style: chr3-121487972-T-C. GRCh37 (hg19) VCF-style: chr3-121206819-T-C.
Identifiers: ClinVar variation 1744363 (VCV001744363.4), dbSNP rs113695853, ClinGen allele CA2562818.

ClinVar aggregate classification (germline): Likely benign. Review status: criteria provided, single submitter (1 of 4 stars). 2 submissions from 2 submitters: Likely benign (1). 1 of the submissions does not count toward it. Last evaluated 2022-02-12.

Conditions:
POLQ-related disorder. Also called: POLQ-related condition.

Allele frequency attached by ClinVar (database versions not stated): ESP Exome Variant Server 0.00008; gnomAD 0.00014; ExAC 0.00021; gnomAD exomes 0.00025; TOPMed 0.00028.
gnomAD v4.1: 387 of 1,608,416 alleles (0.024%); highest among the groups gnomAD compares: Non-Finnish European, 0.03%; no homozygotes.

Submissions (2):

Ambry Genetics
Classification: Likely benign. Last evaluated: 2022-02-12. Review status: criteria provided, single submitter. Criteria: Ambry Variant Classification Scheme 2023. Collection method: clinical testing. Allele origin: germline.

PreventionGenetics, part of Exact Sciences
Classification: Likely benign for POLQ-related condition. Last evaluated: 2019-04-05. Review status: no assertion criteria provided. Collection method: clinical testing. Allele origin: germline. Not counted in ClinVar's aggregate classification.
Comment: This variant is classified as likely benign based on ACMG/AMP sequence variant interpretation guidelines (Richards et al. 2015 PMID: 25741868, with internal and published modifications).